The following is an entry in ClinVar:

NM_003906.5(MCM3AP):c.3620G>A (p.Arg1207His)

Gene: MCM3AP (minichromosome maintenance complex component 3 associated protein; minus strand). Cytogenetic location: 21q22.3.
Variant type: single nucleotide variant.
Coding change: c.3620G>A on transcript NM_003906.5 (MANE Select); coding-DNA position 3620, G replaced by A.
Protein change: p.Arg1207His; replaces arginine 1207 with histidine.
Molecular consequence: missense variant.
Genome position (GRCh38, 1-based): chr21:46,259,053, C>T on the plus strand (G>A on the coding strand, the complement: MCM3AP is on the minus strand). VCF-style: chr21-46259053-C-T. GRCh37 (hg19) VCF-style: chr21-47678967-C-T.
Other names: c.3620G>A (NM_003906.3); short protein forms R1207H.
Identifiers: ClinVar variation 2197033 (VCV002197033.2), dbSNP rs139982696, ClinGen allele CA10076429.
Genomic context (GRCh38, chr21:46,259,053, plus strand): 5'-TGGAAGATTTCCTCCACGAGAAACAAGTCCACTAAGTGGGCACAGACATCCTCACAGCAA[C>T]GGGCCACACGGACCCTCTGGTCTGTCTCTACTGCATTCCTAGAAACAGGGCAATCAGCAT-3'
Protein context (NP_003897.2, residues 1197-1217): VETDQRVRVA[Arg1207His]CCEDVCAHLV

ClinVar aggregate classification (germline): Uncertain significance. Review status: criteria provided, multiple submitters, no conflicts (2 of 4 stars). 2 submissions from 2 submitters: Uncertain significance (2). Last evaluated 2024-01-23.

Conditions:
Inborn genetic diseases. Identifiers: MedGen C0950123, MeSH D030342.

Allele frequency attached by ClinVar (database versions not stated): gnomAD 0.00001; ExAC 0.00002; TOPMed 0.00002; ESP Exome Variant Server 0.00008.
gnomAD v4.1: 32 of 1,613,896 alleles (0.002%); highest among the groups gnomAD compares: Admixed American, 0.005%; no homozygotes.

Submissions (2):

Ambry Genetics
Classification: Uncertain significance for Inborn genetic diseases. Last evaluated: 2024-01-23. Review status: criteria provided, single submitter. Criteria: Ambry Variant Classification Scheme 2023. Collection method: clinical testing. Allele origin: germline.

Labcorp Genetics (formerly Invitae), Labcorp
Classification: Uncertain significance. Last evaluated: 2022-08-20. Review status: criteria provided, single submitter. Criteria: Invitae Variant Classification Sherloc (09022015). Collection method: clinical testing. Allele origin: germline.
Comment: This sequence change replaces arginine, which is basic and polar, with histidine, which is basic and polar, at codon 1207 of the MCM3AP protein (p.Arg1207His). This variant is present in population databases (rs139982696, gnomAD 0.009%). This variant has not been reported in the literature in individuals affected with MCM3AP-related conditions. Algorithms developed to predict the effect of missense changes on protein structure and function (SIFT, PolyPhen-2, Align-GVGD) all suggest that this variant is likely to be disruptive. In summary, the available evidence is currently insufficient to determine the role of this variant in disease. Therefore, it has been classified as a Variant of Uncertain Significance.